The following is an entry in ClinVar:

ClinVar aggregate classification (germline): Uncertain significance. Review status: criteria provided, multiple submitters, no conflicts (2 of 4 stars). 4 submissions from 4 submitters: Uncertain significance (4). Last evaluated 2024-10-04.

Conditions:
Cardiovascular phenotype. Identifiers: MedGen CN230736.
Myofibrillar myopathy 6. Identifiers: Orphanet 199340, MedGen C2751831, MONDO:0013061, OMIM 612954.
Dilated cardiomyopathy 1HH (CMD1HH). Identifiers: Orphanet 154, MedGen C3151293, MONDO:0013479, OMIM 613881.

Allele frequency attached by ClinVar (database versions not stated): gnomAD exomes below 0.00001; TOPMed below 0.00001; gnomAD 0.00001.
gnomAD v4.1: 3 of 1,596,170 alleles (0.00019%); highest among the groups gnomAD compares: African/African-American, 0.0027%; no homozygotes.

Submissions (4):

Labcorp Genetics (formerly Invitae), Labcorp
Classification: Uncertain significance for Dilated cardiomyopathy 1HH; Myofibrillar myopathy 6. Last evaluated: 2024-10-04. Review status: criteria provided, single submitter. Criteria: Invitae Variant Classification Sherloc (09022015). Collection method: clinical testing. Allele origin: germline.
Comment: This sequence change replaces asparagine, which is neutral and polar, with aspartic acid, which is acidic and polar, at codon 16 of the BAG3 protein (p.Asn16Asp). The frequency data for this variant in the population databases is considered unreliable, as metrics indicate poor data quality at this position in the gnomAD database. This variant has not been reported in the literature in individuals affected with BAG3-related conditions. ClinVar contains an entry for this variant (Variation ID: 640933). An algorithm developed to predict the effect of missense changes on protein structure and function (PolyPhen-2) suggests that this variant is likely to be disruptive. In summary, the available evidence is currently insufficient to determine the role of this variant in disease. Therefore, it has been classified as a Variant of Uncertain Significance.

GeneDx
Classification: Uncertain significance. Last evaluated: 2023-11-16. Review status: criteria provided, single submitter. Criteria: GeneDx Variant Classification Process June 2021. Collection method: clinical testing. Allele origin: germline. Affected: yes.
Comment: Not observed at significant frequency in large population cohorts (gnomAD); In silico analysis supports that this missense variant does not alter protein structure/function; Has not been previously published as pathogenic or benign to our knowledge

Ambry Genetics
Classification: Uncertain significance for Cardiovascular phenotype. Last evaluated: 2023-04-04. Review status: criteria provided, single submitter. Criteria: Ambry Variant Classification Scheme 2023. Collection method: clinical testing. Allele origin: germline.
Comment: The p.N16D variant (also known as c.46A>G), located in coding exon 1 of the BAG3 gene, results from an A to G substitution at nucleotide position 46. The asparagine at codon 16 is replaced by aspartic acid, an amino acid with highly similar properties. This amino acid position is well conserved in available vertebrate species. In addition, this alteration is predicted to be tolerated by in silico analysis. Since supporting evidence is limited at this time, the clinical significance of this alteration remains unclear.

Mayo Clinic Laboratories, Mayo Clinic
Classification: Uncertain significance. Last evaluated: 2023-01-25. Review status: criteria provided, single submitter. Criteria: ACMG Guidelines, 2015. Collection method: clinical testing. Allele origin: germline. Observed: 1 variant allele.
Comment: BP4

NM_004281.4(BAG3):c.46A>G (p.Asn16Asp)

Gene: BAG3 (BAG cochaperone 3; plus strand). Cytogenetic location: 10q26.11.
Variant type: single nucleotide variant.
Coding change: c.46A>G on transcript NM_004281.4 (MANE Select); coding-DNA position 46, A replaced by G.
Protein change: p.Asn16Asp; replaces asparagine 16 with aspartic acid.
Molecular consequence: missense variant.
Genome position (GRCh38, 1-based): chr10:119,651,721, A>G. VCF-style: chr10-119651721-A-G. GRCh37 (hg19) VCF-style: chr10-121411233-A-G.
Other names: p.Asn16Asp; short protein forms N16D.
Identifiers: ClinVar variation 640933 (VCV000640933.11), dbSNP rs1474784659, ClinGen allele CA378294059.